The following is an entry in ClinVar:

ClinVar aggregate classification (germline): Uncertain significance. Review status: criteria provided, multiple submitters, no conflicts (2 of 4 stars). 2 submissions from 2 submitters: Uncertain significance (2). Last evaluated 2026-01-27.

Conditions:
Cardiovascular phenotype. Identifiers: MedGen CN230736.
Anterior segment dysgenesis. Also called: Ocular anterior segment dysgenesis. Identifiers: Orphanet 88632, MedGen C1862839, MONDO:0019503, HP:0007700.
Congenital primary aphakia. Also called: Anterior segment dysgenesis 2, multiple subtypes; ANTERIOR SEGMENT DYSGENESIS 2. Identifiers: Orphanet 83461, MedGen C1853230, MONDO:0012456, OMIM 610256.

Submissions (2):

Labcorp Genetics (formerly Invitae), Labcorp
Classification: Uncertain significance for Anterior segment dysgenesis; Congenital primary aphakia. Last evaluated: 2026-01-27. Review status: criteria provided, single submitter. Criteria: Invitae Variant Classification Sherloc (09022015). Collection method: clinical testing. Allele origin: germline.
Comment: This sequence change replaces leucine, which is neutral and non-polar, with valine, which is neutral and non-polar, at codon 161 of the FOXE3 protein (p.Leu161Val). This variant is present in population databases (no rsID available, gnomAD 0.008%). This variant has not been reported in the literature in individuals affected with FOXE3-related conditions. ClinVar contains an entry for this variant (Variation ID: 3516690). Invitae Evidence Modeling of protein sequence and biophysical properties (such as structural, functional, and spatial information, amino acid conservation, physicochemical variation, residue mobility, and thermodynamic stability) has been performed for this missense variant. However, the output from this modeling did not meet the statistical confidence thresholds required to predict the impact of this variant on FOXE3 protein function. In summary, the available evidence is currently insufficient to determine the role of this variant in disease. Therefore, it has been classified as a Variant of Uncertain Significance.

Ambry Genetics
Classification: Uncertain significance for Cardiovascular phenotype. Last evaluated: 2024-09-15. Review status: criteria provided, single submitter. Criteria: Ambry Variant Classification Scheme 2023. Collection method: clinical testing. Allele origin: germline.
Comment: The p.L161V variant (also known as c.481C>G), located in coding exon 1 of the FOXE3 gene, results from a C to G substitution at nucleotide position 481. The leucine at codon 161 is replaced by valine, an amino acid with highly similar properties. This amino acid position is conserved. In addition, the in silico prediction for this alteration is inconclusive. Based on the available evidence, the clinical significance of this variant remains unclear.

NM_012186.3(FOXE3):c.481C>G (p.Leu161Val)

Genes: FOXE3 (forkhead box E3; plus strand), LINC01389 (long independently transcribed non-coding RNA 1389; minus strand). Cytogenetic location: 1p33.
Variant type: single nucleotide variant.
Coding change: c.481C>G on transcript NM_012186.3 (MANE Select); coding-DNA position 481, C replaced by G.
Protein change: p.Leu161Val; replaces leucine 161 with valine.
Molecular consequence: missense variant.
Genome position (GRCh38, 1-based): chr1:47,416,796, C>G. VCF-style: chr1-47416796-C-G. GRCh37 (hg19) VCF-style: chr1-47882468-C-G.
Other names: short protein forms L161V.
Identifiers: ClinVar variation 3516690 (VCV003516690.2).